The following is an entry in ClinVar:

ClinVar aggregate classification (germline): Uncertain significance (1 of 4 stars; one submission).

Conditions:
Spermatogenic failure 65 (SPGF65). Identifiers: MedGen C5562067, MONDO:0030531, OMIM 619712.

Allele frequency attached by ClinVar (database versions not stated): gnomAD exomes below 0.00001.
gnomAD v4.1: 3 of 1,553,384 alleles (0.00019%); highest among the groups gnomAD compares: Non-Finnish European, 0.00026%; no homozygotes.

Submission:

SIB Swiss Institute of Bioinformatics
Classification: Uncertain significance for Spermatogenic failure 65. Last evaluated: 2022-06-20. Review status: criteria provided, single submitter. Criteria: ACMG Guidelines, 2015. Collection method: curation. Allele origin: unknown.
Comment: This variant is interpreted as variant of uncertain significance for Spermatogenic failure 65, autosomal recessive. The following ACMG Tag(s) were applied: Absent from controls (or at extremely low frequency if recessive) in Exome Sequencing Project, 1000 Genomes Project, or Exome Aggregation Consortium (PM2); For recessive disorders, detected in trans with a pathogenic variant (PM3); Multiple lines of computational evidence support a deleterious effect on the gene or gene product (PP3).

Literature cited by the submitters: PubMed 34932939.

NM_144666.3(DNHD1):c.12473A>G (p.His4158Arg)

Gene: DNHD1 (dynein heavy chain domain 1; plus strand). Cytogenetic location: 11p15.4.
Variant type: single nucleotide variant.
Coding change: c.12473A>G on transcript NM_144666.3 (MANE Select); coding-DNA position 12473, A replaced by G.
Protein change: p.His4158Arg; replaces histidine 4158 with arginine.
Molecular consequence: missense variant.
Genome position (GRCh38, 1-based): chr11:6,568,177, A>G. VCF-style: chr11-6568177-A-G. GRCh37 (hg19) VCF-style: chr11-6589407-A-G.
Other names: short protein forms H4158R.
Identifiers: ClinVar variation 1693247 (VCV001693247.1), dbSNP rs2134462807, ClinGen allele CA379405055.
Genomic context (GRCh38, chr11:6,568,177, plus strand): 5'-TGGTCAGCACTCTATCCCAGGCTATGTATGAGGGGCACTGGCTGGTGCTGGACAACTGTC[A>G]TCTGATGCCCCATTGGCCGAAAGAGCTGCTACAGCTCTTGCTGGAACTGTTAGGCAGAGC-3'
Protein context (NP_653267.2, residues 4148-4168): EGHWLVLDNC[His4158Arg]LMPHWPKELL